The following is an entry in ClinVar:

ClinVar aggregate classification (germline): Benign/Likely benign. Review status: criteria provided, multiple submitters, no conflicts (2 of 4 stars). 4 submissions from 4 submitters: Benign (2); Likely benign (1). 1 of the submissions does not count toward it. Last evaluated 2023-06-21.

Conditions:
YY1AP1-related disorder. Also called: YY1AP1-related condition.
Inborn genetic diseases. Identifiers: MedGen C0950123, MeSH D030342.

Allele frequency attached by ClinVar (database versions not stated): gnomAD exomes 0.00036 and 0.00070; ExAC 0.00112; gnomAD 0.00329 and 0.00354; 1000 Genomes Project 0.00359; TOPMed 0.00360; 1000 Genomes Project 30x 0.00390.
gnomAD v4.1: 1,049 of 1,597,372 alleles (0.066%); highest among the groups gnomAD compares: African/African-American, 1.2%; 5 homozygotes.

Submissions (4):

Ambry Genetics
Classification: Likely benign for Inborn genetic diseases. Last evaluated: 2023-06-21. Review status: criteria provided, single submitter. Criteria: Ambry Variant Classification Scheme 2023. Collection method: clinical testing. Allele origin: germline.

Labcorp Genetics (formerly Invitae), Labcorp
Classification: Benign. Last evaluated: 2018-05-24. Review status: criteria provided, single submitter. Criteria: Invitae Variant Classification Sherloc (09022015). Collection method: clinical testing. Allele origin: germline.

Breakthrough Genomics
Classification: Benign. Review status: criteria provided, single submitter. Criteria: ACMG Guidelines, 2015. Collection method: not provided. Allele origin: germline. Inheritance: Autosomal recessive inheritance. Affected: yes.

PreventionGenetics, part of Exact Sciences
Classification: Likely benign for YY1AP1-related condition. Last evaluated: 2024-06-07. Review status: no assertion criteria provided. Collection method: clinical testing. Allele origin: germline. Not counted in ClinVar's aggregate classification.
Comment: This variant is classified as likely benign based on ACMG/AMP sequence variant interpretation guidelines (Richards et al. 2015 PMID: 25741868, with internal and published modifications).

NM_139119.3(YY1AP1):c.-151-68T>C

Genes: DAP3 (death associated protein 3; plus strand), YY1AP1 (YY1 associated protein 1; minus strand). Cytogenetic location: 1q22.
Variant type: single nucleotide variant.
Coding change: c.-151-68T>C on transcript NM_139119.3 (MANE Select); 68 bases into the intron before 151 bases upstream of the start codon, T replaced by C.
Molecular consequence: intron variant. On other transcripts: missense variant (2).
Genome position (GRCh38, 1-based): chr1:155,688,269, A>G on the plus strand (T>C on the coding strand, the complement: YY1AP1 is on the minus strand). VCF-style: chr1-155688269-A-G. GRCh37 (hg19) VCF-style: chr1-155658060-A-G.
Other names: c.196T>C, p.Ser66Pro (NM_001198903.1, NM_001198904.1); c.-21+661T>C (NM_001198901.2); c.-375+661T>C (NM_139121.3); c.48-68T>C (NM_139118.3, NM_001198906.2); c.-21+390T>C (NM_001198902.2); c.-143-68T>C (NM_001198900.2); c.-151-68T>C (NM_001198905.2); c.-265-68T>C (NM_018253.4); short protein forms S66P.
Identifiers: ClinVar variation 791223 (VCV000791223.8), dbSNP rs114089731, ClinGen allele CA1149035.